The following is an entry in ClinVar:

ClinVar aggregate classification (germline): Uncertain significance. Review status: criteria provided, multiple submitters, no conflicts (2 of 4 stars). 3 submissions from 3 submitters: Uncertain significance (2). 1 of the submissions does not count toward it. Last evaluated 2025-09-07.

Conditions:
CCDC78-related disorder. Also called: CCDC78-related condition.
Congenital myopathy with internal nuclei and atypical cores. Also called: Myopathy, centronuclear, 4. Identifiers: Orphanet 319160, MedGen C4707232, MONDO:0013890, OMIM 614807.

Allele frequency attached by ClinVar (database versions not stated): TOPMed 0.00006; gnomAD exomes 0.00007 and 0.00013; ExAC 0.00014; gnomAD 0.00015 and 0.00016; ESP Exome Variant Server 0.00023.

Submissions (3):

Labcorp Genetics (formerly Invitae), Labcorp
Classification: Uncertain significance for Congenital myopathy with internal nuclei and atypical cores. Last evaluated: 2025-09-07. Review status: criteria provided, single submitter. Criteria: Invitae Variant Classification Sherloc (09022015). Collection method: clinical testing. Allele origin: germline.
Comment: This sequence change falls in intron 3 of the CCDC78 gene. It does not directly change the encoded amino acid sequence of the CCDC78 protein. It affects a nucleotide within the consensus splice site. This variant is present in population databases (rs371386354, gnomAD 0.03%), and has an allele count higher than expected for a pathogenic variant. This variant has not been reported in the literature in individuals affected with CCDC78-related conditions. ClinVar contains an entry for this variant (Variation ID: 807334). Variants that disrupt the consensus splice site are a relatively common cause of aberrant splicing (PMID: 17576681, 9536098). Algorithms developed to predict the effect of sequence changes on RNA splicing suggest that this variant may disrupt the consensus splice site. In summary, the available evidence is currently insufficient to determine the role of this variant in disease. Therefore, it has been classified as a Variant of Uncertain Significance.

CeGaT Center for Human Genetics Tuebingen
Classification: Uncertain significance. Last evaluated: 2016-12-01. Review status: criteria provided, single submitter. Criteria: CeGaT Center For Human Genetics Tuebingen Variant Classification Criteria Version 2. Collection method: clinical testing. Allele origin: germline. Affected: yes. Observed: 1 variant allele.

PreventionGenetics, part of Exact Sciences
Classification: Likely benign for CCDC78-related condition. Last evaluated: 2019-03-21. Review status: no assertion criteria provided. Collection method: clinical testing. Allele origin: germline. Not counted in ClinVar's aggregate classification.
Comment: This variant is classified as likely benign based on ACMG/AMP sequence variant interpretation guidelines (Richards et al. 2015 PMID: 25741868, with internal and published modifications).

Literature cited by the submitters: PubMed 17576681 (cited by Labcorp Genetics (formerly Invitae), Labcorp); PubMed 9536098 (cited by Labcorp Genetics (formerly Invitae), Labcorp).

NM_001378030.1(CCDC78):c.268-3C>T

Gene: CCDC78 (coiled-coil domain containing 78; minus strand). Cytogenetic location: 16p13.3.
Variant type: single nucleotide variant.
Coding change: c.268-3C>T on transcript NM_001378030.1 (MANE Select); 3 bases into the intron before coding-DNA position 268, C replaced by T.
Molecular consequence: intron variant.
Genome position (GRCh38, 1-based): chr16:725,583, G>A on the plus strand (C>T on the coding strand, the complement: CCDC78 is on the minus strand). VCF-style: chr16-725583-G-A. GRCh37 (hg19) VCF-style: chr16-775583-G-A.
Other names: c.-19+211C>T (NM_001378033.1); c.268-3C>T (NM_001378031.1, NM_001031737.3).
Identifiers: ClinVar variation 807334 (VCV000807334.51), dbSNP rs371386354, ClinGen allele CA7789665.